The following is an entry in ClinVar:

ClinVar aggregate classification (germline): Conflicting classifications of pathogenicity. Review status: criteria provided, conflicting classifications (1 of 4 stars). 2 submissions from 2 submitters: Uncertain significance (1); Likely benign (1). Last evaluated 2025-09-24.
ClinVar aggregate classification (oncogenicity): Uncertain significance (1 of 4 stars; one submission).

Conditions:
EGFR-related lung cancer (EGFR). Identifiers: MedGen CN130014.
Hereditary cancer-predisposing syndrome. Also called: Tumor predisposition; Hereditary Cancer Syndrome; Hereditary neoplastic syndrome; Neoplastic Syndromes, Hereditary. Identifiers: Orphanet 140162, MedGen C0027672, MeSH D009386, MONDO:0015356.
Neoplasm. Also called: Neoplasms; Neoplasm (disease); tumor. Identifiers: MedGen C0027651, MeSH D009369, MONDO:0005070, HP:0002664.

Submissions (3):

Center for Genomic Medicine, Rigshospitalet, Copenhagen University Hospital
Classification: Uncertain significance for Neoplasm. Last evaluated: 2025-12-29. Review status: criteria provided, single submitter. Criteria: ClinGen/CGC/VICC Guidelines for Oncogenicity, 2022. Collection method: clinical testing. Allele origin: somatic. Affected: yes.

Ambry Genetics
Classification: Likely benign for Hereditary cancer-predisposing syndrome. Last evaluated: 2025-09-24. Review status: criteria provided, single submitter. Criteria: Ambry Variant Classification Scheme 2023. Collection method: clinical testing. Allele origin: germline.

Labcorp Genetics (formerly Invitae), Labcorp
Classification: Uncertain significance for EGFR-related lung cancer. Last evaluated: 2025-03-04. Review status: criteria provided, single submitter. Criteria: Invitae Variant Classification Sherloc (09022015). Collection method: clinical testing. Allele origin: germline.
Comment: This sequence change replaces aspartic acid, which is acidic and polar, with asparagine, which is neutral and polar, at codon 368 of the EGFR protein (p.Asp368Asn). This variant is not present in population databases (gnomAD no frequency). This variant has not been reported in the literature in individuals affected with EGFR-related conditions. ClinVar contains an entry for this variant (Variation ID: 1445961). Invitae Evidence Modeling of protein sequence and biophysical properties (such as structural, functional, and spatial information, amino acid conservation, physicochemical variation, residue mobility, and thermodynamic stability) indicates that this missense variant is not expected to disrupt EGFR protein function with a negative predictive value of 80%. In summary, the available evidence is currently insufficient to determine the role of this variant in disease. Therefore, it has been classified as a Variant of Uncertain Significance.

NM_005228.5(EGFR):c.1102G>A (p.Asp368Asn)

Genes: EGFR (epidermal growth factor receptor; plus strand), LOC126860048 (P300/CBP strongly-dependent group 1 enhancer GRCh37_chr7:55223847-55225046; plus strand). Cytogenetic location: 7p11.2.
Variant type: single nucleotide variant.
Coding change: c.1102G>A on transcript NM_005228.5 (MANE Select); coding-DNA position 1102, G replaced by A.
Protein change: p.Asp368Asn; replaces aspartic acid 368 with asparagine.
Molecular consequence: missense variant.
Genome position (GRCh38, 1-based): chr7:55,156,628, G>A. VCF-style: chr7-55156628-G-A. GRCh37 (hg19) VCF-style: chr7-55224321-G-A.
Other names: c.967G>A, p.Asp323Asn (NM_001346897.2, NM_001346899.2); c.1102G>A, p.Asp368Asn (NM_001346898.2, NM_201282.2, NM_201283.2 and 1 more transcripts); c.943G>A, p.Asp315Asn (NM_001346900.2); c.301G>A, p.Asp101Asn (NM_001346941.2); c.1102G>A (NM_005228.3); short protein forms D323N, D101N, D368N, D315N.
Identifiers: ClinVar variation 1445961 (VCV001445961.8), dbSNP rs749927550, ClinGen allele CA367578402.